The following is an entry in ClinVar:

NM_000059.4(BRCA2):c.4353T>G (p.Asp1451Glu)

Gene: BRCA2 (BRCA2 DNA repair associated; plus strand). Cytogenetic location: 13q13.1.
Variant type: single nucleotide variant.
Coding change: c.4353T>G on transcript NM_000059.4 (MANE Select); coding-DNA position 4353, T replaced by G.
Protein change: p.Asp1451Glu; replaces aspartic acid 1451 with glutamic acid.
Molecular consequence: missense variant.
Genome position (GRCh38, 1-based): chr13:32,338,708, T>G. VCF-style: chr13-32338708-T-G. GRCh37 (hg19) VCF-style: chr13-32912845-T-G.
Other names: short protein forms D1451E.
Identifiers: ClinVar variation 629328 (VCV000629328.7), dbSNP rs1566230114, ClinGen allele CA387780938.
Genomic context (GRCh38, chr13:32,338,708, plus strand): 5'-AAGTGGGAAAAATATTAGTGTCGCCAAAGAGTCATTTAATAAAATTGTAAATTTCTTTGA[T>G]CAGAAACCAGAAGAATTGCATAACTTTTCCTTAAATTCTGAATTACATTCTGACATAAGA-3'
Protein context (NP_000050.3, residues 1441-1461): ESFNKIVNFF[Asp1451Glu]QKPEELHNFS

ClinVar aggregate classification (germline): Conflicting classifications of pathogenicity. Review status: criteria provided, conflicting classifications (1 of 4 stars). 2 submissions from 2 submitters: Uncertain significance (1); Likely benign (1). Last evaluated 2023-12-04.

Conditions:
Hereditary cancer-predisposing syndrome. Also called: Neoplastic Syndromes, Hereditary; Tumor predisposition; Hereditary neoplastic syndrome; Hereditary Cancer Syndrome. Identifiers: Orphanet 140162, MedGen C0027672, MeSH D009386, MONDO:0015356.

Submissions (2):

Color Diagnostics, LLC DBA Color Health
Classification: Uncertain significance for Hereditary cancer-predisposing syndrome. Last evaluated: 2023-12-04. Review status: criteria provided, single submitter. Criteria: ACMG Guidelines, 2015. Collection method: clinical testing. Allele origin: germline.
Comment: This missense variant replaces aspartic acid with glutamic acid at codon 1451 of the BRCA2 protein. Computational prediction suggests that this variant may not impact protein structure and function (internally defined REVEL score threshold <= 0.5, PMID: 27666373). To our knowledge, functional studies have not been reported for this variant. This variant has not been reported in individuals affected with BRCA2-related disorders in the literature. This variant has not been identified in the general population by the Genome Aggregation Database (gnomAD). The available evidence is insufficient to determine the role of this variant in disease conclusively. Therefore, this variant is classified as a Variant of Uncertain Significance.

University of Washington Department of Laboratory Medicine, University of Washington
Classification: Likely benign for Hereditary cancer-predisposing syndrome. Last evaluated: 2023-03-23. Review status: criteria provided, single submitter. Criteria: Dines et al. (Genet Med. 2020). Collection method: curation. Allele origin: germline.
Comment: Missense variant in a coldspot region where missense variants are very unlikely to be pathogenic (PMID:31911673).

BRCA2 exon 11 coldspot. Reclassification based on statistical prior probability.